The following is an entry in ClinVar:

NM_000531.6(OTC):c.482A>G (p.Asn161Ser)

Gene: OTC (ornithine transcarbamylase; plus strand). Cytogenetic location: Xp11.4.
Variant type: single nucleotide variant.
Coding change: c.482A>G on transcript NM_000531.6 (MANE Select); coding-DNA position 482, A replaced by G.
Protein change: p.Asn161Ser; replaces asparagine 161 with serine.
Molecular consequence: missense variant.
Genome position (GRCh38, 1-based): chrX:38,401,370, A>G. VCF-style: chrX-38401370-A-G. GRCh37 (hg19) VCF-style: chrX-38260623-A-G.
Other names: short protein forms N161S.
Identifiers: ClinVar variation 97216 (VCV000097216.25), dbSNP rs72556271, ClinGen allele CA224635.

ClinVar aggregate classification (germline): Pathogenic. Review status: criteria provided, multiple submitters, no conflicts (2 of 4 stars). 8 submissions from 8 submitters: Pathogenic (7). 1 of the submissions does not count toward it. Last evaluated 2025-09-12.

Conditions:
Ornithine carbamoyltransferase deficiency (OTCD). Also called: OTC DEFICIENCY; Ornithine Carbamoyltransferase Deficiency Disease; ORNITHINE TRANSCARBAMYLASE DEFICIENCY; ORNITHINE TRANSCARBAMYLASE DEFICIENCY, HYPERAMMONEMIA DUE TO. Identifiers: Orphanet 664, MedGen C0268542, MONDO:0010703, OMIM 311250.

Submissions (8):

Victorian Clinical Genetics Services, Murdoch Childrens Research Institute
Classification: Pathogenic for Ornithine carbamoyltransferase deficiency. Last evaluated: 2025-09-12. Review status: criteria provided, single submitter. Criteria: ACMG Guidelines, 2015. Collection method: clinical testing. Allele origin: germline.
Comment: This variant is classified as Pathogenic. Evidence in support of pathogenic classification: Variant is absent from gnomAD (v2, v3 and v4); This variant has strong previous evidence of pathogenicity in unrelated individuals. This variant has been classified pathogenic by clinical laboratories in ClinVar, and reported in unrelated families with ornithine transcarbamylase deficiency (OTCD) (PMIDs: 30223008, 25994866, 28266016, 32922350, 21956151); Missense variant predicted to be damaging by in silico tool(s) or highly conserved with a major amino acid change. Additional information: Variant is predicted to result in a missense amino acid change from Asn to Ser; This variant is heterozygous; This gene is associated with X-linked disease; Variant is located in the annotated OTCace_N domain (DECIPHER); Loss of function is a known mechanism of disease in this gene and is associated with ornithine transcarbamylase deficiency (MIM#311250); Variants in this gene are known to have variable expressivity. In males, the phenotypic spectrum can range from lethal neonatal onset to milder forms in late childhood or adulthood. In heterozygous females the phenotypic spectrum can range from asymptomatic to having recurrent hyperammonemia and/or neurologic impairment depending on the pattern of X-chromosome inactivation in the liver (OMIM, PMID: 24006547). In addition, individuals with pathogenic variants associated with mild late-onset disease may experience severe hyperammonemia depending on exposure to strong environmental stressors (PMID: 24006547).

CeGaT Center for Human Genetics Tuebingen
Classification: Pathogenic. Last evaluated: 2025-06-01. Review status: criteria provided, single submitter. Criteria: CeGaT Center For Human Genetics Tuebingen Variant Classification Criteria Version 2. Collection method: clinical testing. Allele origin: germline. Affected: yes. Observed: 1 variant allele.
Comment: OTC: PS4, PM2, PM5, PP4:Moderate, PS3:Supporting

Department of Molecular Genetics, Istishari Arab Hospital
Classification: Pathogenic for Ornithine carbamoyltransferase deficiency. Last evaluated: 2025-04-26. Review status: criteria provided, single submitter. Criteria: ACMG Guidelines, 2015. Collection method: clinical testing. Allele origin: de novo. Inheritance: X-linked inheritance. Affected: yes.
Comment: This variant, NM_000531.5(OTC):c.482A>G (p.Asn161Ser), is classified as pathogenic based on multiple lines of evidence. It is a nonsynonymous substitution in exon 5 of the OTC gene, which is associated with X-linked ornithine transcarbamylase deficiency, a urea cycle disorder. The variant is absent from major population databases including gnomAD, ESP, and 1000 Genomes, supporting PM2. In silico tools predict a damaging effect on the protein: PolyPhen-2 scores it as probably damaging (0.998), MutationTaster predicts it as deleterious (score = 1), and REVEL assigns a high score of 0.87. The affected residue is highly conserved (GERP score: 5.97), and the change occurs at a site where other pathogenic variants have been reported, fulfilling PM5. Functional studies cited in the literature (PMID: 17041896) demonstrate a deleterious impact on enzyme function, supporting PS3. Furthermore, the variant is reported as pathogenic in ClinVar,and was not detected in either parent, indicating a likely de novo event (PS2 or PM6 if confirmed). Based on ACMG/AMP guidelines, the variant meets criteria PM2, PS3, PM5, PM3, PP3, PP5, and PP2, supporting its classification as pathogenic.

Revvity Omics, Revvity
Classification: Pathogenic for Ornithine carbamoyltransferase deficiency. Last evaluated: 2023-12-27. Review status: criteria provided, single submitter. Criteria: ACMG Guidelines, 2015. Collection method: clinical testing. Allele origin: germline.

Labcorp Genetics (formerly Invitae), Labcorp
Classification: Pathogenic for Ornithine carbamoyltransferase deficiency. Last evaluated: 2023-04-09. Review status: criteria provided, single submitter. Criteria: Invitae Variant Classification Sherloc (09022015). Collection method: clinical testing. Allele origin: germline.
Comment: For these reasons, this variant has been classified as Pathogenic. Experimental studies have shown that this missense change affects OTC function (PMID: 17041896). Advanced modeling of protein sequence and biophysical properties (such as structural, functional, and spatial information, amino acid conservation, physicochemical variation, residue mobility, and thermodynamic stability) performed at Invitae indicates that this missense variant is expected to disrupt OTC protein function. ClinVar contains an entry for this variant (Variation ID: 97216). This missense change has been observed in individual(s) with ornithine transcarbamylase deficiency (PMID: 8786061, 11388595, 12083811, 21956151, 25994866). This variant is not present in population databases (gnomAD no frequency). This sequence change replaces asparagine, which is neutral and polar, with serine, which is neutral and polar, at codon 161 of the OTC protein (p.Asn161Ser).

GeneDx
Classification: Pathogenic. Last evaluated: 2022-08-25. Review status: criteria provided, single submitter. Criteria: GeneDx Variant Classification Process June 2021. Collection method: clinical testing. Allele origin: germline. Affected: yes.
Comment: Published functional studies demonstrate a damaging effect: expression studies demonstrate no residual OTC enzyme activity compared to wildtype (Kim et al., 2006); Not observed at significant frequency in large population cohorts (gnomAD); In silico analysis supports that this missense variant has a deleterious effect on protein structure/function; This variant is associated with the following publications: (PMID: 7627182, 21956151, 11388595, 19138872, 12754713, 25994866, 17334707, 12083811, 11117428, 30223008, 28324312, 32034732, 33272297, 32778825, 37146589, 32447331, 32922350, 27915290, 17041896, 28266016)

Genome-Nilou Lab
Classification: Pathogenic for Ornithine carbamoyltransferase deficiency. Last evaluated: 2021-11-07. Review status: criteria provided, single submitter. Criteria: ACMG Guidelines, 2015. Collection method: clinical testing. Allele origin: germline. Affected: no.

GenMed Metabolism Lab
Classification: Pathogenic. Review status: no assertion criteria provided. Collection method: not provided. Allele origin: unknown. Not counted in ClinVar's aggregate classification.
Comment: p.Asn161Ser, Neonatal
ClinVar note: Converted during submission from pathogenic to Pathogenic.

Literature cited by the submitters: PubMed 21956151 (cited by Victorian Clinical Genetics Services, Murdoch Childrens Research Institute and Labcorp Genetics (formerly Invitae), Labcorp); PubMed 28266016 (cited by Victorian Clinical Genetics Services, Murdoch Childrens Research Institute); PubMed 24006547 (cited by Victorian Clinical Genetics Services, Murdoch Childrens Research Institute); PubMed 25994866 (cited by Victorian Clinical Genetics Services, Murdoch Childrens Research Institute and Labcorp Genetics (formerly Invitae), Labcorp); PubMed 30223008 (cited by Victorian Clinical Genetics Services, Murdoch Childrens Research Institute); PubMed 32922350 (cited by Victorian Clinical Genetics Services, Murdoch Childrens Research Institute); PubMed 17041896 (cited by Department of Molecular Genetics, Istishari Arab Hospital and Labcorp Genetics (formerly Invitae), Labcorp); PubMed 8786061 (cited by Labcorp Genetics (formerly Invitae), Labcorp); PubMed 11388595 (cited by Labcorp Genetics (formerly Invitae), Labcorp); PubMed 12083811 (cited by Labcorp Genetics (formerly Invitae), Labcorp).